The following is an entry in ClinVar:

NM_144701.3(IL23R):c.151T>C (p.Tyr51His)

Gene: IL23R (interleukin 23 receptor; plus strand). Cytogenetic location: 1p31.3.
Variant type: single nucleotide variant.
Coding change: c.151T>C on transcript NM_144701.3 (MANE Select); coding-DNA position 151, T replaced by C.
Protein change: p.Tyr51His; replaces tyrosine 51 with histidine.
Molecular consequence: missense variant.
Genome position (GRCh38, 1-based): chr1:67,169,422, T>C. VCF-style: chr1-67169422-T-C. GRCh37 (hg19) VCF-style: chr1-67635105-T-C.
Other names: short protein forms Y51H.
Identifiers: ClinVar variation 4804343 (VCV004804343.1).

ClinVar aggregate classification (germline): Uncertain significance (1 of 4 stars; one submission).

gnomAD v4.1: 1 of 1,613,226 alleles (0.000062%); highest among the groups gnomAD compares: African/African-American, 0.0013%; no homozygotes.

Submission:

Labcorp Genetics (formerly Invitae), Labcorp
Classification: Uncertain significance. Last evaluated: 2025-04-24. Review status: criteria provided, single submitter. Criteria: Invitae Variant Classification Sherloc (09022015). Collection method: clinical testing. Allele origin: germline.
Comment: This sequence change replaces tyrosine, which is neutral and polar, with histidine, which is basic and polar, at codon 51 of the IL23R protein (p.Tyr51His). This variant is not present in population databases (gnomAD no frequency). This variant has not been reported in the literature in individuals affected with IL23R-related conditions. An algorithm developed to predict the effect of missense changes on protein structure and function (PolyPhen-2) suggests that this variant is likely to be disruptive. In summary, the available evidence is currently insufficient to determine the role of this variant in disease. Therefore, it has been classified as a Variant of Uncertain Significance.